The following is an entry in ClinVar:

ClinVar aggregate classification (germline): Likely benign. Review status: criteria provided, multiple submitters, no conflicts (2 of 4 stars). 2 submissions from 2 submitters: Likely benign (2). Last evaluated 2025-03-13.

Conditions:
Pheochromocytoma/paraganglioma syndrome 3. Also called: GLOMUS TUMORS, FAMILIAL, 3; Paragangliomas 3; SDHC-Related Hereditary Paraganglioma-Pheochromocytoma Syndrome (Paragangliomas 3); SDHC-Related Hereditary Paraganglioma-Pheochromocytoma Syndrome. Identifiers: Orphanet 29072, MedGen C1854336, MONDO:0011544, OMIM 605373.
Gastrointestinal stromal tumor. Also called: Gastrointestinal stroma tumor; Gastrointestinal stromal tumor, somatic. Identifiers: Orphanet 44890, MedGen C0238198, MeSH D046152, MONDO:0011719, OMIM 606764, HP:0100723.

Allele frequency attached by ClinVar (database versions not stated): gnomAD exomes below 0.00001.

Submissions (2):

Myriad Genetics, Inc.
Classification: Likely benign for Pheochromocytoma/paraganglioma syndrome 3. Last evaluated: 2025-03-13. Review status: criteria provided, single submitter. Criteria: Myriad Autosomal Dominant, Autosomal Recessive and X-Linked Classification Criteria (2023). Collection method: clinical testing. Allele origin: unknown.
Comment: This variant is considered likely benign. This variant is intronic and is not expected to impact mRNA splicing.

Labcorp Genetics (formerly Invitae), Labcorp
Classification: Likely benign for Pheochromocytoma/paraganglioma syndrome 3; Gastrointestinal stromal tumor. Last evaluated: 2022-12-20. Review status: criteria provided, single submitter. Criteria: Invitae Variant Classification Sherloc (09022015). Collection method: clinical testing. Allele origin: germline.

NM_003001.5(SDHC):c.20+9A>G

Gene: SDHC (succinate dehydrogenase complex subunit C; plus strand). Cytogenetic location: 1q23.3.
Variant type: single nucleotide variant.
Coding change: c.20+9A>G on transcript NM_003001.5 (MANE Select); 9 bases into the intron after coding-DNA position 20, A replaced by G.
Molecular consequence: intron variant. On other transcripts: 5 prime UTR variant (1).
Genome position (GRCh38, 1-based): chr1:161,314,434, A>G. VCF-style: chr1-161314434-A-G. GRCh37 (hg19) VCF-style: chr1-161284224-A-G.
Other names: c.-532A>G (NM_001407119.1); c.-210+9A>G (NM_001407120.1); c.20+9A>G (NM_001407115.1, NM_001035511.3, NM_001035512.3 and 6 more transcripts).
Identifiers: ClinVar variation 2024595 (VCV002024595.5), dbSNP rs1271741954, ClinGen allele CA890187854.